The following is an entry in ClinVar:

ClinVar aggregate classification (germline): Uncertain significance (1 of 4 stars; one submission).

Submission:

Labcorp Genetics (formerly Invitae), Labcorp
Classification: Uncertain significance. Last evaluated: 2024-05-09. Review status: criteria provided, single submitter. Criteria: Invitae Variant Classification Sherloc (09022015). Collection method: clinical testing. Allele origin: germline.
Comment: This sequence change replaces phenylalanine, which is neutral and non-polar, with tyrosine, which is neutral and polar, at codon 2100 of the CACNA1D protein (p.Phe2100Tyr). This variant is not present in population databases (gnomAD no frequency). This variant has not been reported in the literature in individuals affected with CACNA1D-related conditions. An algorithm developed to predict the effect of missense changes on protein structure and function (PolyPhen-2) suggests that this variant is likely to be disruptive. In summary, the available evidence is currently insufficient to determine the role of this variant in disease. Therefore, it has been classified as a Variant of Uncertain Significance.

NM_001128840.3(CACNA1D):c.6239T>A (p.Phe2080Tyr)

Gene: CACNA1D (calcium voltage-gated channel subunit alpha1 D; plus strand). Cytogenetic location: 3p21.1.
Variant type: single nucleotide variant.
Coding change: c.6239T>A on transcript NM_001128840.3 (MANE Select); coding-DNA position 6239, T replaced by A.
Protein change: p.Phe2080Tyr; replaces phenylalanine 2080 with tyrosine.
Molecular consequence: missense variant.
Genome position (GRCh38, 1-based): chr3:53,811,159, T>A. VCF-style: chr3-53811159-T-A. GRCh37 (hg19) VCF-style: chr3-53845186-T-A.
Other names: c.6299T>A, p.Phe2100Tyr (NM_000720.4); c.6167T>A, p.Phe2056Tyr (NM_001128839.3); short protein forms F2100Y, F2056Y, F2080Y.
Identifiers: ClinVar variation 3645192 (VCV003645192.2).